The following is an entry in ClinVar:

NM_000535.7(PMS2):c.1895T>C (p.Leu632Ser)

Gene: PMS2 (PMS1 homolog 2, mismatch repair system component; minus strand). Cytogenetic location: 7p22.1.
Variant type: single nucleotide variant.
Coding change: c.1895T>C on transcript NM_000535.7 (MANE Select); coding-DNA position 1895, T replaced by C.
Protein change: p.Leu632Ser; replaces leucine 632 with serine.
Molecular consequence: missense variant. On other transcripts: non-coding transcript variant (1).
Genome position (GRCh38, 1-based): chr7:5,986,870, A>G on the plus strand (T>C on the coding strand, the complement: PMS2 is on the minus strand). VCF-style: chr7-5986870-A-G. GRCh37 (hg19) VCF-style: chr7-6026501-A-G.
Other names: c.1490T>C, p.Leu497Ser (NM_001322003.2, NM_001322004.2, NM_001322005.2 and 1 more transcripts); c.1739T>C, p.Leu580Ser (NM_001322006.2); c.1577T>C, p.Leu526Ser (NM_001322007.2, NM_001322008.2); c.1334T>C, p.Leu445Ser (NM_001322010.2); c.962T>C, p.Leu321Ser (NM_001322011.2, NM_001322012.2); c.1322T>C, p.Leu441Ser (NM_001322013.2); c.1895T>C, p.Leu632Ser (NM_001322014.2); c.1586T>C, p.Leu529Ser (NM_001322015.2); short protein forms L497S, L526S, L445S, L529S, L321S, L580S, L632S, L441S.
Identifiers: ClinVar variation 1445524 (VCV001445524.10), dbSNP rs2128721689, ClinGen allele CA366739380.

ClinVar aggregate classification (germline): Uncertain significance. Review status: criteria provided, multiple submitters, no conflicts (2 of 4 stars). 2 submissions from 2 submitters: Uncertain significance (2). Last evaluated 2021-04-18.

Conditions:
Hereditary nonpolyposis colorectal neoplasms. Identifiers: MedGen C0009405, MeSH D003123.
Hereditary cancer-predisposing syndrome. Also called: Tumor predisposition; Hereditary Cancer Syndrome; Hereditary neoplastic syndrome; Neoplastic Syndromes, Hereditary. Identifiers: Orphanet 140162, MedGen C0027672, MeSH D009386, MONDO:0015356.

Submissions (2):

Labcorp Genetics (formerly Invitae), Labcorp
Classification: Uncertain significance for Hereditary nonpolyposis colorectal neoplasms. Last evaluated: 2021-04-18. Review status: criteria provided, single submitter. Criteria: Invitae Variant Classification Sherloc (09022015). Collection method: clinical testing. Allele origin: germline.
Comment: In summary, the available evidence is currently insufficient to determine the role of this variant in disease. Therefore, it has been classified as a Variant of Uncertain Significance. Advanced modeling of protein sequence and biophysical properties (such as structural, functional, and spatial information, amino acid conservation, physicochemical variation, residue mobility, and thermodynamic stability) performed at Invitae indicates that this missense variant is not expected to disrupt PMS2 protein function. This variant has not been reported in the literature in individuals with PMS2-related conditions. This variant is not present in population databases (ExAC no frequency). This sequence change replaces leucine with serine at codon 632 of the PMS2 protein (p.Leu632Ser). The leucine residue is weakly conserved and there is a large physicochemical difference between leucine and serine.

Ambry Genetics
Classification: Uncertain significance for Hereditary cancer-predisposing syndrome. Last evaluated: 2019-10-04. Review status: criteria provided, single submitter. Criteria: Ambry Variant Classification Scheme 2023. Collection method: clinical testing. Allele origin: germline.
Comment: The p.L632S variant (also known as c.1895T>C), located in coding exon 11 of the PMS2 gene, results from a T to C substitution at nucleotide position 1895. The leucine at codon 632 is replaced by serine, an amino acid with dissimilar properties. This amino acid position is well conserved in available vertebrate species. In addition, the in silico prediction for this alteration is inconclusive. Since supporting evidence is limited at this time, the clinical significance of this alteration remains unclear.